The following is an entry in ClinVar:

NM_001283009.2(RTEL1):c.3640G>C (p.Ala1214Pro)

Genes: RTEL1 (regulator of telomere elongation helicase 1; plus strand), RTEL1-TNFRSF6B (RTEL1-TNFRSF6B readthrough (NMD candidate); plus strand). Cytogenetic location: 20q13.33.
Variant type: single nucleotide variant.
Coding change: c.3640G>C on transcript NM_001283009.2 (MANE Select); coding-DNA position 3640, G replaced by C.
Protein change: p.Ala1214Pro; replaces alanine 1214 with proline.
Molecular consequence: missense variant. On other transcripts: non-coding transcript variant (1).
Genome position (GRCh38, 1-based): chr20:63,695,468, G>C. VCF-style: chr20-63695468-G-C. GRCh37 (hg19) VCF-style: chr20-62326821-G-C.
Other names: c.2971G>C, p.Ala991Pro (NM_001283010.1); c.3640G>C, p.Ala1214Pro (NM_016434.4); c.3712G>C, p.Ala1238Pro (NM_032957.5); short protein forms A1238P, A1214P, A991P.
Identifiers: ClinVar variation 4157720 (VCV004157720.1).
Genomic context (GRCh38, chr20:63,695,468, plus strand): 5'-GGGGCGGGCGGTGAGGATGCAGGTCCCAGCCAGTCCTCAGGACCTCCCCACGGGCCTGCA[G>C]CATCTGAGTGGGGTGAGCCTCATGGGAGAGACATCGCTGGGCAGCAGGCCACGGGAGCTC-3'
Protein context (NP_001269938.1, residues 1204-1224): QSSGPPHGPA[Ala1214Pro]SEWGEPHGRD

ClinVar aggregate classification (germline): Uncertain significance (1 of 4 stars; one submission).

Conditions:
Inborn genetic diseases. Identifiers: MedGen C0950123, MeSH D030342.

Submission:

Ambry Genetics
Classification: Uncertain significance for Inborn genetic diseases. Last evaluated: 2025-09-01. Review status: criteria provided, single submitter. Criteria: Ambry Variant Classification Scheme 2023. Collection method: clinical testing. Allele origin: germline.
Comment: The p.A1214P variant (also known as c.3640G>C), located in coding exon 33 of the RTEL1 gene, results from a G to C substitution at nucleotide position 3640. The alanine at codon 1214 is replaced by proline, an amino acid with highly similar properties. This amino acid position is conserved. In addition, this alteration is predicted to be tolerated by in silico analysis. Based on the available evidence, the clinical significance of this variant remains unclear.